The following is an entry in ClinVar:

NM_001012708.2(KRTAP5-3):c.456G>A (p.Lys152=)

Gene: KRTAP5-3 (keratin associated protein 5-3; minus strand). Cytogenetic location: 11p15.5.
Variant type: single nucleotide variant.
Coding change: c.456G>A on transcript NM_001012708.2 (MANE Select); coding-DNA position 456, G replaced by A.
Protein change: p.Lys152=; no amino-acid change (lysine 152 retained).
Molecular consequence: synonymous variant.
Genome position (GRCh38, 1-based): chr11:1,607,930, C>T on the plus strand (G>A on the coding strand, the complement: KRTAP5-3 is on the minus strand). VCF-style: chr11-1607930-C-T. GRCh37 (hg19) VCF-style: chr11-1629160-C-T.
Identifiers: ClinVar variation 4084420 (VCV004084420.8).

ClinVar aggregate classification (germline): Likely benign (1 of 4 stars; one submission).

Submission:

CeGaT Center for Human Genetics Tuebingen
Classification: Likely benign. Last evaluated: 2025-06-01. Review status: criteria provided, single submitter. Criteria: CeGaT Center For Human Genetics Tuebingen Variant Classification Criteria Version 2. Collection method: clinical testing. Allele origin: germline. Affected: yes. Observed: 1 variant allele.
Comment: KRTAP5-3: BP4, BP7